The following is an entry in ClinVar:

ClinVar aggregate classification (germline): Uncertain significance. Review status: criteria provided, multiple submitters, no conflicts (2 of 4 stars). 2 submissions from 2 submitters: Uncertain significance (2). Last evaluated 2025-10-29.

Allele frequency attached by ClinVar (database versions not stated): gnomAD exomes below 0.00001.

Submissions (2):

Greenwood Genetic Center Diagnostic Laboratories, Greenwood Genetic Center
Classification: Uncertain significance. Last evaluated: 2025-10-29. Review status: criteria provided, single submitter. Criteria: ACMG Guidelines, 2015. Collection method: clinical testing. Allele origin: germline. Affected: yes.
Comment: PM2, PP3

Ambry Genetics
Classification: Uncertain significance. Last evaluated: 2022-03-11. Review status: criteria provided, single submitter. Criteria: Ambry Variant Classification Scheme 2023. Collection method: clinical testing. Allele origin: germline.

NM_001394372.1(BICRA):c.3350A>T (p.Tyr1117Phe)

Gene: BICRA (BRD4 interacting chromatin remodeling complex associated protein; plus strand). Cytogenetic location: 19q13.33.
Variant type: single nucleotide variant.
Coding change: c.3350A>T on transcript NM_001394372.1 (MANE Select); coding-DNA position 3350, A replaced by T.
Protein change: p.Tyr1117Phe; replaces tyrosine 1117 with phenylalanine.
Molecular consequence: missense variant.
Genome position (GRCh38, 1-based): chr19:47,698,735, A>T. VCF-style: chr19-47698735-A-T. GRCh37 (hg19) VCF-style: chr19-48201992-A-T.
Other names: c.3350A>T, p.Tyr1117Phe (NM_015711.3); short protein forms Y1117F.
Identifiers: ClinVar variation 3133912 (VCV003133912.2), dbSNP rs2514133695, ClinGen allele CA406622689.